The following is an entry in ClinVar:

ClinVar aggregate classification (germline): Pathogenic. Review status: reviewed by expert panel (3 of 4 stars). 11 submissions from 11 submitters: Pathogenic (1). 10 of the submissions do not count toward it. Last evaluated 2016-09-08.

Conditions:
Hereditary cancer-predisposing syndrome. Also called: Tumor predisposition; Neoplastic Syndromes, Hereditary; Hereditary neoplastic syndrome; Hereditary Cancer Syndrome. Identifiers: Orphanet 140162, MedGen C0027672, MeSH D009386, MONDO:0015356.
Hereditary breast ovarian cancer syndrome. Also called: Hereditary breast and ovarian cancer; Hereditary breast and ovarian cancer syndrome (HBOC); Hereditary breast and/or ovarian cancer syndrome; Breast and ovarian cancer; Hereditary breast and ovarian cancer syndrome; BRCA1- and BRCA2-Associated Hereditary Breast and Ovarian Cancer. Identifiers: Orphanet 145, MedGen C0677776, MeSH D061325, MONDO:0003582. Disease mechanism: loss of function.
Breast-ovarian cancer, familial, susceptibility to, 2 (BROVCA2). Also called: BRCA2 Hereditary Breast and Ovarian Cancer. Identifiers: Orphanet 145, MedGen C2675520, MONDO:0012933, OMIM 612555. Disease mechanism: loss of function.

Submissions (11):

Evidence-based Network for the Interpretation of Germline Mutant Alleles (ENIGMA)
Classification: Pathogenic for Breast-ovarian cancer, familial, susceptibility to, 2. Last evaluated: 2016-09-08. Review status: reviewed by expert panel. Criteria: ENIGMA BRCA1/2 Classification Criteria (2015). Collection method: curation. Allele origin: germline.
Comment: Variant allele predicted to encode a truncated non-functional protein.

Ambry Genetics
Classification: Pathogenic for Hereditary cancer-predisposing syndrome. Last evaluated: 2024-02-26. Review status: criteria provided, single submitter. Criteria: Ambry Variant Classification Scheme 2023. Collection method: clinical testing. Allele origin: germline. Not counted in ClinVar's aggregate classification.
Comment: The p.Y2658* pathogenic mutation (also known as c.7974C>G), located in coding exon 16 of the BRCA2 gene, results from a C to G substitution at nucleotide position 7974. This changes the amino acid from a tyrosine to a stop codon within coding exon 16. This alteration is expected to result in loss of function by premature protein truncation or nonsense-mediated mRNA decay. As such, this alteration is interpreted as a disease-causing mutation.

Quest Diagnostics Nichols Institute San Juan Capistrano
Classification: Pathogenic. Last evaluated: 2023-08-23. Review status: criteria provided, single submitter. Criteria: Quest Diagnostics criteria. Collection method: clinical testing. Allele origin: unknown. Not counted in ClinVar's aggregate classification.
Comment: The BRCA2 c.7974C>G (p.Tyr2658*) variant causes the premature termination of BRCA2 protein synthesis. This variant has not been reported in large, multi-ethnic general populations (Genome Aggregation Database). Based on the available information, this variant is classified as pathogenic.

Labcorp Genetics (formerly Invitae), Labcorp
Classification: Pathogenic for Hereditary breast ovarian cancer syndrome. Last evaluated: 2022-09-10. Review status: criteria provided, single submitter. Criteria: Invitae Variant Classification Sherloc (09022015). Collection method: clinical testing. Allele origin: germline. Not counted in ClinVar's aggregate classification.
Comment: This premature translational stop signal has been observed in individual(s) with breast cancer or pancreatic acinar cell carcinoma (PMID: 29446198, 31002019). For these reasons, this variant has been classified as Pathogenic. ClinVar contains an entry for this variant (Variation ID: 38129). This variant is not present in population databases (gnomAD no frequency). This sequence change creates a premature translational stop signal (p.Tyr2658*) in the BRCA2 gene. It is expected to result in an absent or disrupted protein product. Loss-of-function variants in BRCA2 are known to be pathogenic (PMID: 20104584).

Genome Diagnostics Laboratory, University Medical Center Utrecht
Classification: Pathogenic for Breast-ovarian cancer, familial, susceptibility to, 2. Last evaluated: 2017-07-28. Review status: criteria provided, single submitter. Criteria: ACGS Guidelines, 2013. Collection method: clinical testing. Allele origin: germline. Affected: yes. Study: VKGL Data-share Consensus. Not counted in ClinVar's aggregate classification.

Consortium of Investigators of Modifiers of BRCA1/2 (CIMBA), c/o University of Cambridge
Classification: Pathogenic for Breast-ovarian cancer, familial, susceptibility to, 2. Last evaluated: 2015-10-02. Review status: criteria provided, single submitter. Criteria: CIMBA Mutation Classification guidelines May 2016. Collection method: clinical testing. Allele origin: germline. Not counted in ClinVar's aggregate classification.

BRCAlab, Lund University
Classification: Pathogenic for Breast-ovarian cancer, familial, susceptibility to, 2. Last evaluated: 2020-03-02. Review status: no assertion criteria provided. Collection method: clinical testing. Allele origin: germline. Affected: yes. Not counted in ClinVar's aggregate classification.

Sharing Clinical Reports Project (SCRP)
Classification: Pathogenic for Breast-ovarian cancer, familial 2. Last evaluated: 2008-04-09. Review status: no assertion criteria provided. Collection method: clinical testing. Allele origin: germline. Not counted in ClinVar's aggregate classification.

Breast Cancer Information Core (BIC) (BRCA2)
Classification: Pathogenic for Breast-ovarian cancer, familial 2. Last evaluated: 2000-07-07. Review status: no assertion criteria provided. Collection method: clinical testing. Allele origin: germline. Affected: yes. Observed: 1 variant allele. Not counted in ClinVar's aggregate classification.

Diagnostic Laboratory, Department of Genetics, University Medical Center Groningen
Classification: Pathogenic for Breast-ovarian cancer, familial, susceptibility to, 2. Review status: no assertion criteria provided. Collection method: clinical testing. Allele origin: germline. Affected: yes. Study: VKGL Data-share Consensus. Not counted in ClinVar's aggregate classification.

Joint Genome Diagnostic Labs from Nijmegen and Maastricht, Radboudumc and MUMC+
Classification: Pathogenic. Review status: no assertion criteria provided. Collection method: clinical testing. Allele origin: germline. Affected: yes. Study: VKGL Data-share Consensus. Not counted in ClinVar's aggregate classification.

Literature cited by the submitters: PubMed 31002019 (cited by Quest Diagnostics Nichols Institute San Juan Capistrano and Labcorp Genetics (formerly Invitae), Labcorp); PubMed 29446198 (cited by Quest Diagnostics Nichols Institute San Juan Capistrano and Labcorp Genetics (formerly Invitae), Labcorp); PubMed 37461096 (cited by Quest Diagnostics Nichols Institute San Juan Capistrano); PubMed 32486089 (cited by Quest Diagnostics Nichols Institute San Juan Capistrano); PubMed 21523855 (cited by Quest Diagnostics Nichols Institute San Juan Capistrano); PubMed 27153395 (cited by Quest Diagnostics Nichols Institute San Juan Capistrano); PubMed 29483665 (cited by Quest Diagnostics Nichols Institute San Juan Capistrano); PubMed 20104584 (cited by Labcorp Genetics (formerly Invitae), Labcorp).

NM_000059.4(BRCA2):c.7974C>G (p.Tyr2658Ter)

Gene: BRCA2 (BRCA2 DNA repair associated; plus strand). Cytogenetic location: 13q13.1.
Variant type: single nucleotide variant.
Coding change: c.7974C>G on transcript NM_000059.4 (MANE Select); coding-DNA position 7974, C replaced by G.
Protein change: p.Tyr2658Ter; replaces tyrosine 2658 with a stop codon.
Molecular consequence: nonsense.
Genome position (GRCh38, 1-based): chr13:32,362,691, C>G. VCF-style: chr13-32362691-C-G. GRCh37 (hg19) VCF-style: chr13-32936828-C-G.
Other names: 8202C>G; short protein forms Y2658*.
Identifiers: ClinVar variation 38129 (VCV000038129.14), dbSNP rs80359025, ClinGen allele CA025361.